The following is an entry in ClinVar:

ClinVar aggregate classification (germline): Likely pathogenic (1 of 4 stars; one submission).

Conditions:
Fanconi anemia complementation group A (FANCA). Also called: FANCA-Related Fanconi Anemia; Fanconi anemia, group A. Identifiers: Orphanet 84, MedGen C3469521, MONDO:0009215, OMIM 227650.

Submission:

Juno Genomics, Hangzhou Juno Genomics, Inc
Classification: Likely pathogenic for Fanconi anemia complementation group A. Review status: criteria provided, single submitter. Criteria: ACMG Guidelines, 2015. Collection method: clinical testing. Allele origin: germline. Affected: yes.
Comment: Absent from controls (or at extremely low frequency if recessive) in Genome Aggregation Database, Exome Sequencing Project, 1000 Genomes Project, or Exome Aggregation Consortium.;Null variant in a gene where loss of function (LOF) is a known mechanism of disease.

NM_000135.4(FANCA):c.1844del (p.Pro615fs)

Gene: FANCA (FA complementation group A; minus strand). Cytogenetic location: 16q24.3.
Variant type: Deletion.
Coding change: c.1844del on transcript NM_000135.4 (MANE Select); coding-DNA position 1844, one base deleted (C; older notation c.1844delC).
Protein change: p.Pro615fs; shifts the reading frame from proline 615.
Molecular consequence: frameshift variant.
Genome position (GRCh38, 1-based): chr16:89,775,798, G deleted on the plus strand (C on the coding strand, the reverse complement: FANCA is on the minus strand); the first of 6 consecutive G bases (chr16:89,775,798-89,775,803); deleting any one gives the same sequence. VCF-style (leftmost placement, unchanged base first): chr16-89775797-TG-T. GRCh37 (hg19) VCF-style: chr16-89842205-TG-T.
Other names: c.1844del, p.Pro615fs (NM_001286167.3); short protein forms P615fs.
Identifiers: ClinVar variation 3382243 (VCV003382243.2).